The following is an entry in ClinVar:

NM_001134673.4(NFIA):c.428A>G (p.Glu143Gly)

Gene: NFIA (nuclear factor I A; plus strand). Cytogenetic location: 1p31.3.
Variant type: single nucleotide variant.
Coding change: c.428A>G on transcript NM_001134673.4 (MANE Select); coding-DNA position 428, A replaced by G.
Protein change: p.Glu143Gly; replaces glutamic acid 143 with glycine.
Molecular consequence: missense variant.
Genome position (GRCh38, 1-based): chr1:61,088,549, A>G. VCF-style: chr1-61088549-A-G. GRCh37 (hg19) VCF-style: chr1-61554221-A-G.
Other names: c.404A>G, p.Glu135Gly (NM_001145511.2); c.563A>G, p.Glu188Gly (NM_001145512.2); c.428A>G, p.Glu143Gly (NM_005595.5); short protein forms E135G, E143G, E188G.
Identifiers: ClinVar variation 3643008 (VCV003643008.2).
Genomic context (GRCh38, chr1:61,088,549, plus strand): 5'-CAGATAAAGTCTGGAGGTTGGACCTTGTTATGGTGATTTTGTTTAAAGGTATTCCGCTGG[A>G]AAGTACTGATGGCGAGCGCCTTGTAAAGTCCCCACAATGCTCTAATCCAGGGCTCTGTGT-3'
Protein context (NP_001128145.1, residues 133-153): MVILFKGIPL[Glu143Gly]STDGERLVKS

ClinVar aggregate classification (germline): Uncertain significance (1 of 4 stars; one submission).

Submission:

Labcorp Genetics (formerly Invitae), Labcorp
Classification: Uncertain significance. Last evaluated: 2024-06-21. Review status: criteria provided, single submitter. Criteria: Invitae Variant Classification Sherloc (09022015). Collection method: clinical testing. Allele origin: germline.
Comment: This sequence change replaces glutamic acid, which is acidic and polar, with glycine, which is neutral and non-polar, at codon 143 of the NFIA protein (p.Glu143Gly). This variant is not present in population databases (gnomAD no frequency). This variant has not been reported in the literature in individuals affected with NFIA-related conditions. An algorithm developed to predict the effect of missense changes on protein structure and function (PolyPhen-2) suggests that this variant is likely to be disruptive. In summary, the available evidence is currently insufficient to determine the role of this variant in disease. Therefore, it has been classified as a Variant of Uncertain Significance.